The following is an entry in ClinVar:

ClinVar aggregate classification (germline): Uncertain significance (1 of 4 stars; one submission).

Conditions:
Hereditary cancer-predisposing syndrome. Also called: Neoplastic Syndromes, Hereditary; Tumor predisposition; Hereditary Cancer Syndrome; Hereditary neoplastic syndrome. Identifiers: Orphanet 140162, MedGen C0027672, MeSH D009386, MONDO:0015356.

Submission:

Ambry Genetics
Classification: Uncertain significance for Hereditary cancer-predisposing syndrome. Last evaluated: 2026-03-27. Review status: criteria provided, single submitter. Criteria: Ambry Variant Classification Scheme 2023. Collection method: clinical testing. Allele origin: germline.
Comment: The c.1187-5C>G intronic variant results from a C to G substitution 5 nucleotides upstream from coding exon 13 in the MUTYH gene. This nucleotide position is not well conserved in available vertebrate species. In silico splice site analysis predicts that this alteration will not have any significant effect on splicing. Based on the available evidence, the clinical significance of this variant remains unclear.

NM_001048174.2(MUTYH):c.1103-5C>G

Gene: MUTYH (mutY DNA glycosylase; minus strand). Cytogenetic location: 1p34.1.
Variant type: single nucleotide variant.
Coding change: c.1103-5C>G on transcript NM_001048174.2 (MANE Select); 5 bases into the intron before coding-DNA position 1103, C replaced by G.
Molecular consequence: intron variant.
Genome position (GRCh38, 1-based): chr1:45,331,561, G>C on the plus strand (C>G on the coding strand, the complement: MUTYH is on the minus strand). VCF-style: chr1-45331561-G-C. GRCh37 (hg19) VCF-style: chr1-45797233-G-C.
Other names: c.1103-5C>G (NM_001407072.1, NM_001407073.1, NM_001048171.2 and 6 more transcripts); c.758-5C>G (NM_001350651.2, NM_001350650.2, NM_001407082.1); c.827-5C>G (NM_001293192.2, NM_001293196.2, NM_001407091.1); c.1148-5C>G (NM_001293190.2); c.1136-5C>G (NM_001407069.1, NM_001407077.1, NM_001293191.2); c.1178-5C>G (NM_012222.3); c.1187-5C>G (NM_001128425.2); c.1106-5C>G (NM_001407071.1, NM_001048172.2, NM_001407078.1 and 1 more transcripts); and 5 more.
Identifiers: ClinVar variation 4860479 (VCV004860479.1).